The following is an entry in ClinVar:

NM_182895.5(SCARF2):c.1104C>A (p.Tyr368Ter)

Gene: SCARF2 (scavenger receptor class F member 2; minus strand). Cytogenetic location: 22q11.21.
Variant type: single nucleotide variant.
Coding change: c.1104C>A on transcript NM_182895.5 (MANE Select); coding-DNA position 1104, C replaced by A.
Protein change: p.Tyr368Ter; replaces tyrosine 368 with a stop codon.
Molecular consequence: nonsense.
Genome position (GRCh38, 1-based): chr22:20,430,527, G>T on the plus strand (C>A on the coding strand, the complement: SCARF2 is on the minus strand). VCF-style: chr22-20430527-G-T. GRCh37 (hg19) VCF-style: chr22-20784814-G-T.
Other names: c.1104C>A, p.Tyr368Ter (NM_153334.7); short protein forms Y368*.
Identifiers: ClinVar variation 1526095 (VCV001526095.1), dbSNP rs921038430, ClinGen allele CA410743767.

ClinVar aggregate classification (germline): Pathogenic (1 of 4 stars; one submission).

Conditions:
Van den Ende-Gupta syndrome (VDEGS). Also called: BLEPHAROPHIMOSIS, ARACHNODACTYLY, AND CONGENITAL CONTRACTURES. Identifiers: Orphanet 2460, MedGen C1833136, MONDO:0010959, OMIM 600920.

Submission:

3billion
Classification: Pathogenic for Van den Ende-Gupta syndrome. Last evaluated: 2022-03-22. Review status: criteria provided, single submitter. Criteria: ACMG Guidelines, 2015. Collection method: clinical testing. Allele origin: germline. Affected: yes. Observed: 1 homozygote.
Comment: Stop-gained (nonsense): predicted to result in a loss or disruption of normal protein function through nonsense-mediated decay (NMD) or protein truncation. Multiple pathogenic variants are reported downstream of the variant.It is not observed in the gnomAD v2.1.1 dataset. Therefore, this variant is classified as pathogenic according to the recommendation of ACMG/AMP guideline.